The following is an entry in ClinVar:

NM_000059.4(BRCA2):c.3737A>G (p.Asn1246Ser)

Gene: BRCA2 (BRCA2 DNA repair associated; plus strand). Cytogenetic location: 13q13.1.
Variant type: single nucleotide variant.
Coding change: c.3737A>G on transcript NM_000059.4 (MANE Select); coding-DNA position 3737, A replaced by G.
Protein change: p.Asn1246Ser; replaces asparagine 1246 with serine.
Molecular consequence: missense variant.
Genome position (GRCh38, 1-based): chr13:32,338,092, A>G. VCF-style: chr13-32338092-A-G. GRCh37 (hg19) VCF-style: chr13-32912229-A-G.
Other names: short protein forms N1246S.
Identifiers: ClinVar variation 833944 (VCV000833944.13), dbSNP rs876660679, ClinGen allele CA387778132.

ClinVar aggregate classification (germline): Conflicting classifications of pathogenicity. Review status: criteria provided, conflicting classifications (1 of 4 stars). 3 submissions from 3 submitters: Uncertain significance (1); Likely benign (2). Last evaluated 2025-03-19.

Conditions:
Hereditary breast ovarian cancer syndrome. Also called: Hereditary breast and ovarian cancer syndrome; Breast and ovarian cancer; BRCA1- and BRCA2-Associated Hereditary Breast and Ovarian Cancer; Hereditary breast and ovarian cancer; Hereditary breast and/or ovarian cancer syndrome; Hereditary breast and ovarian cancer syndrome (HBOC). Identifiers: Orphanet 145, MedGen C0677776, MeSH D061325, MONDO:0003582. Disease mechanism: loss of function.
Hereditary cancer-predisposing syndrome. Also called: Hereditary neoplastic syndrome; Neoplastic Syndromes, Hereditary; Tumor predisposition; Hereditary Cancer Syndrome. Identifiers: Orphanet 140162, MedGen C0027672, MeSH D009386, MONDO:0015356.

Submissions (3):

Labcorp Genetics (formerly Invitae), Labcorp
Classification: Likely benign for Hereditary breast ovarian cancer syndrome. Last evaluated: 2025-03-19. Review status: criteria provided, single submitter. Criteria: Invitae Variant Classification Sherloc (09022015). Collection method: clinical testing. Allele origin: germline.

University of Washington Department of Laboratory Medicine, University of Washington
Classification: Likely benign for Hereditary cancer-predisposing syndrome. Last evaluated: 2023-03-23. Review status: criteria provided, single submitter. Criteria: Dines et al. (Genet Med. 2020). Collection method: curation. Allele origin: germline.
Comment: Missense variant in a coldspot region where missense variants are very unlikely to be pathogenic (PMID:31911673).

BRCA2 exon 11 coldspot. Reclassification based on statistical prior probability.

Ambry Genetics
Classification: Uncertain significance for Hereditary cancer-predisposing syndrome. Last evaluated: 2020-12-21. Review status: criteria provided, single submitter. Criteria: Ambry Variant Classification Scheme 2023. Collection method: clinical testing. Allele origin: germline.
Comment: The p.N1246S variant (also known as c.3737A>G), located in coding exon 10 of the BRCA2 gene, results from an A to G substitution at nucleotide position 3737. The asparagine at codon 1246 is replaced by serine, an amino acid with highly similar properties. This amino acid position is not well conserved in available vertebrate species. In addition, this alteration is predicted to be tolerated by in silico analysis. Since supporting evidence is limited at this time, the clinical significance of this alteration remains unclear.